The following is an entry in ClinVar:

NM_005188.4(CBL):c.1512G>A (p.Pro504=)

Gene: CBL (Cbl proto-oncogene; plus strand). Cytogenetic location: 11q23.3.
Variant type: single nucleotide variant.
Coding change: c.1512G>A on transcript NM_005188.4 (MANE Select); coding-DNA position 1512, G replaced by A.
Protein change: p.Pro504=; no amino-acid change (proline 504 retained).
Molecular consequence: synonymous variant.
Genome position (GRCh38, 1-based): chr11:119,285,049, G>A. VCF-style: chr11-119285049-G-A. GRCh37 (hg19) VCF-style: chr11-119155759-G-A.
Other names: c.1512G>A (NM_005188.2).
Identifiers: ClinVar variation 505085 (VCV000505085.13), dbSNP rs758285751, ClinGen allele CA6318543.

ClinVar aggregate classification (germline): Likely benign. Review status: criteria provided, multiple submitters, no conflicts (2 of 4 stars). 3 submissions from 3 submitters: Likely benign (3). Last evaluated 2025-06-29.

Conditions:
Cardiovascular phenotype. Identifiers: MedGen CN230736.
RASopathy. Also called: Noonan spectrum disorder; rasopathies. Identifiers: Orphanet 536391, MedGen C5555857, MONDO:0021060.

Allele frequency attached by ClinVar (database versions not stated): gnomAD 0.00003.
gnomAD v4.1: 3 of 1,613,966 alleles (0.00019%); highest among the groups gnomAD compares: Admixed American, 0.0017%; no homozygotes.

Submissions (3):

Labcorp Genetics (formerly Invitae), Labcorp
Classification: Likely benign for RASopathy. Last evaluated: 2025-06-29. Review status: criteria provided, single submitter. Criteria: Invitae Variant Classification Sherloc (09022015). Collection method: clinical testing. Allele origin: germline.

Ambry Genetics
Classification: Likely benign for Cardiovascular phenotype. Last evaluated: 2023-05-13. Review status: criteria provided, single submitter. Criteria: Ambry Variant Classification Scheme 2023. Collection method: clinical testing. Allele origin: germline.

Laboratory for Molecular Medicine, Mass General Brigham Personalized Medicine
Classification: Likely benign. Last evaluated: 2016-05-26. Review status: criteria provided, single submitter. Criteria: LMM Criteria. Collection method: clinical testing. Allele origin: germline. Observed: 1 variant allele.
Comment: p.Pro504Pro in exon 10 of CBL: This variant is not expected to have clinical sig nificance because it does not alter an amino acid residue and is not located wit hin the splice consensus sequence. It has been identified in 1/16512 South Asian chromosomes by the Exome Aggregation Consortium (ExAC; dbSNP rs758285751).